The following is an entry in ClinVar:

ClinVar aggregate classification (germline): Conflicting classifications of pathogenicity. Review status: criteria provided, conflicting classifications (1 of 4 stars). 3 submissions from 3 submitters: Uncertain significance (2); Likely benign (1). Last evaluated 2024-04-27.

Conditions:
Hereditary cancer-predisposing syndrome. Also called: Tumor predisposition; Hereditary Cancer Syndrome; Hereditary neoplastic syndrome; Neoplastic Syndromes, Hereditary. Identifiers: Orphanet 140162, MedGen C0027672, MeSH D009386, MONDO:0015356.
Hereditary breast ovarian cancer syndrome. Also called: BRCA1- and BRCA2-Associated Hereditary Breast and Ovarian Cancer; Hereditary breast and ovarian cancer; Hereditary breast and ovarian cancer syndrome; Hereditary breast and ovarian cancer syndrome (HBOC); Breast and ovarian cancer; Hereditary breast and/or ovarian cancer syndrome. Identifiers: Orphanet 145, MedGen C0677776, MeSH D061325, MONDO:0003582. Disease mechanism: loss of function.

Submissions (3):

Ambry Genetics
Classification: Uncertain significance for Hereditary cancer-predisposing syndrome. Last evaluated: 2024-04-27. Review status: criteria provided, single submitter. Criteria: Ambry Variant Classification Scheme 2023. Collection method: clinical testing. Allele origin: germline.
Comment: The p.Y839C variant (also known as c.2516A>G), located in coding exon 10 of the BRCA2 gene, results from an A to G substitution at nucleotide position 2516. The tyrosine at codon 839 is replaced by cysteine, an amino acid with highly dissimilar properties. This variant was reported in 0/60,466 breast cancer cases and in 1/53,461 controls (Dorling et al. N Engl J Med. 2021 02;384:428-439). This amino acid position is poorly conserved in available vertebrate species. In addition, this alteration is predicted to be tolerated by in silico analysis. Since supporting evidence is limited at this time, the clinical significance of this alteration remains unclear.

University of Washington Department of Laboratory Medicine, University of Washington
Classification: Likely benign for Hereditary cancer-predisposing syndrome. Last evaluated: 2023-03-23. Review status: criteria provided, single submitter. Criteria: Dines et al. (Genet Med. 2020). Collection method: curation. Allele origin: germline.
Comment: Missense variant in a coldspot region where missense variants are very unlikely to be pathogenic (PMID:31911673).

BRCA2 exon 11 coldspot. Reclassification based on statistical prior probability.

Labcorp Genetics (formerly Invitae), Labcorp
Classification: Uncertain significance for Hereditary breast ovarian cancer syndrome. Last evaluated: 2023-02-26. Review status: criteria provided, single submitter. Criteria: Invitae Variant Classification Sherloc (09022015). Collection method: clinical testing. Allele origin: germline.
Comment: Advanced modeling of protein sequence and biophysical properties (such as structural, functional, and spatial information, amino acid conservation, physicochemical variation, residue mobility, and thermodynamic stability) performed at Invitae indicates that this missense variant is not expected to disrupt BRCA2 protein function. This sequence change replaces tyrosine, which is neutral and polar, with cysteine, which is neutral and slightly polar, at codon 839 of the BRCA2 protein (p.Tyr839Cys). This variant is not present in population databases (gnomAD no frequency). This variant has not been reported in the literature in individuals affected with BRCA2-related conditions. ClinVar contains an entry for this variant (Variation ID: 1469755). In summary, the available evidence is currently insufficient to determine the role of this variant in disease. Therefore, it has been classified as a Variant of Uncertain Significance.

Literature cited by the submitters: PubMed 33471991 (cited by Ambry Genetics).

NM_000059.4(BRCA2):c.2516A>G (p.Tyr839Cys)

Gene: BRCA2 (BRCA2 DNA repair associated; plus strand). Cytogenetic location: 13q13.1.
Variant type: single nucleotide variant.
Coding change: c.2516A>G on transcript NM_000059.4 (MANE Select); coding-DNA position 2516, A replaced by G.
Protein change: p.Tyr839Cys; replaces tyrosine 839 with cysteine.
Molecular consequence: missense variant.
Genome position (GRCh38, 1-based): chr13:32,336,871, A>G. VCF-style: chr13-32336871-A-G. GRCh37 (hg19) VCF-style: chr13-32911008-A-G.
Other names: short protein forms Y839C.
Identifiers: ClinVar variation 1469755 (VCV001469755.10), dbSNP rs2137487301, ClinGen allele CA387772455.